The following is an entry in ClinVar:

ClinVar aggregate classification (germline): Uncertain significance (1 of 4 stars; one submission).

Conditions:
Autosomal recessive ataxia, Beauce type. Also called: Spinocerebellar ataxia, autosomal recessive 8; ATAXIA, RECESSIVE, OF BEAUCE; SYNE1-Related Autosomal Recessive Cerebellar Ataxia; SYNE1 Deficiency. Identifiers: Orphanet 88644, MedGen C1853116, MONDO:0012549, OMIM 610743.
Emery-Dreifuss muscular dystrophy 4, autosomal dominant (EDMD4). Also called: EMERY-DREIFUSS MUSCULAR DYSTROPHY 4 WITH VARIABLE FEATURES. Identifiers: Orphanet 261, MedGen C2751807, MONDO:0013071, OMIM 612998.

gnomAD v4.1: 2 of 1,614,080 alleles (0.00012%); highest among the groups gnomAD compares: African/African-American, 0.0013%; no homozygotes.

Submission:

Labcorp Genetics (formerly Invitae), Labcorp
Classification: Uncertain significance for Emery-Dreifuss muscular dystrophy 4, autosomal dominant; Autosomal recessive ataxia, Beauce type. Last evaluated: 2022-09-06. Review status: criteria provided, single submitter. Criteria: Invitae Variant Classification Sherloc (09022015). Collection method: clinical testing. Allele origin: germline.
Comment: This variant has not been reported in the literature in individuals affected with SYNE1-related conditions. This variant is present in population databases (no rsID available, gnomAD 0.007%). This sequence change replaces serine, which is neutral and polar, with tryptophan, which is neutral and slightly polar, at codon 2909 of the SYNE1 protein (p.Ser2909Trp). ClinVar contains an entry for this variant (Variation ID: 963947). In summary, the available evidence is currently insufficient to determine the role of this variant in disease. Therefore, it has been classified as a Variant of Uncertain Significance. Algorithms developed to predict the effect of missense changes on protein structure and function are either unavailable or do not agree on the potential impact of this missense change (SIFT: "Deleterious"; PolyPhen-2: "Possibly Damaging"; Align-GVGD: "Class C0").

NM_182961.4(SYNE1):c.8705C>G (p.Ser2902Trp)

Genes: SYNE1 (spectrin repeat containing nuclear envelope protein 1; minus strand), SYNE1-AS1 (SYNE1 antisense RNA 1; plus strand). Cytogenetic location: 6q25.2.
Variant type: single nucleotide variant.
Coding change: c.8705C>G on transcript NM_182961.4 (MANE Select); coding-DNA position 8705, C replaced by G.
Protein change: p.Ser2902Trp; replaces serine 2902 with tryptophan.
Molecular consequence: missense variant. On other transcripts: non-coding transcript variant (1).
Genome position (GRCh38, 1-based): chr6:152,381,310, G>C on the plus strand (C>G on the coding strand, the complement: SYNE1 is on the minus strand). VCF-style: chr6-152381310-G-C. GRCh37 (hg19) VCF-style: chr6-152702445-G-C.
Other names: c.8726C>G, p.Ser2909Trp (NM_033071.5); short protein forms S2902W, S2909W.
Identifiers: ClinVar variation 963947 (VCV000963947.9), dbSNP rs576979843, ClinGen allele CA366144725.